The following is an entry in ClinVar:

ClinVar aggregate classification (germline): Uncertain significance (1 of 4 stars; one submission).

gnomAD v4.1: 4 of 1,614,194 alleles (0.00025%); highest among the groups gnomAD compares: Non-Finnish European, 0.00034%; no homozygotes.

Submission:

GeneDx
Classification: Uncertain significance. Last evaluated: 2024-11-18. Review status: criteria provided, single submitter. Criteria: GeneDx Variant Classification Process June 2021. Collection method: clinical testing. Allele origin: germline.
Comment: Not observed at significant frequency in large population cohorts (gnomAD); In silico analysis supports that this missense variant has a deleterious effect on protein structure/function; Has not been previously published as pathogenic or benign to our knowledge; Variants in candidate genes are classified as variants of uncertain significance in accordance with ACMG guidelines (PMID: 25741868)

NM_002332.3(LRP1):c.5852G>A (p.Arg1951Gln)

Gene: LRP1 (LDL receptor related protein 1; plus strand). Cytogenetic location: 12q13.3.
Variant type: single nucleotide variant.
Coding change: c.5852G>A on transcript NM_002332.3 (MANE Select); coding-DNA position 5852, G replaced by A.
Protein change: p.Arg1951Gln; replaces arginine 1951 with glutamine.
Molecular consequence: missense variant.
Genome position (GRCh38, 1-based): chr12:57,183,832, G>A. VCF-style: chr12-57183832-G-A. GRCh37 (hg19) VCF-style: chr12-57577615-G-A.
Other names: short protein forms R1951Q.
Identifiers: ClinVar variation 4976655 (VCV004976655.1).